The following is an entry in ClinVar:

ClinVar aggregate classification (germline): Uncertain significance. Review status: criteria provided, multiple submitters, no conflicts (2 of 4 stars). 2 submissions from 2 submitters: Uncertain significance (2). Last evaluated 2022-08-01.

Conditions:
Primary ciliary dyskinesia 23 (CILD23). Also called: CILIARY DYSKINESIA, PRIMARY, 23, WITH OR WITHOUT SITUS INVERSUS. Identifiers: Orphanet 244, MedGen C3809548, MONDO:0014193, OMIM 615451.
Primary ciliary dyskinesia. Also called: Ciliary dyskinesia. Identifiers: Orphanet 244, MedGen C0008780, MONDO:0016575, HP:0012265.

Allele frequency attached by ClinVar (database versions not stated): gnomAD exomes 0.00001; ExAC 0.00002.

Submissions (2):

UNC Molecular Genetics  Laboratory, University of North Carolina at Chapel Hill
Classification: Uncertain significance for Primary ciliary dyskinesia. Last evaluated: 2022-08-01. Review status: criteria provided, single submitter. Criteria: ACMG Guidelines, 2015. Collection method: clinical testing. Allele origin: germline. Observed: 1 heterozygote.

Labcorp Genetics (formerly Invitae), Labcorp
Classification: Uncertain significance for Primary ciliary dyskinesia 23. Last evaluated: 2021-09-01. Review status: criteria provided, single submitter. Criteria: Invitae Variant Classification Sherloc (09022015). Collection method: clinical testing. Allele origin: germline.
Comment: This sequence change replaces proline with threonine at codon 132 of the ARMC4 protein (p.Pro132Thr). The proline residue is moderately conserved and there is a small physicochemical difference between proline and threonine. This variant is present in population databases (rs760457381, ExAC 0.03%). This variant has not been reported in the literature in individuals affected with ARMC4-related conditions. Algorithms developed to predict the effect of missense changes on protein structure and function are either unavailable or do not agree on the potential impact of this missense change (SIFT: "Tolerated"; PolyPhen-2: "Probably Damaging"; Align-GVGD: "Class C0"). In summary, the available evidence is currently insufficient to determine the role of this variant in disease. Therefore, it has been classified as a Variant of Uncertain Significance.

NM_018076.5(ODAD2):c.394C>A (p.Pro132Thr)

Gene: ODAD2 (outer dynein arm docking complex subunit 2; minus strand). Cytogenetic location: 10p12.1.
Variant type: single nucleotide variant.
Coding change: c.394C>A on transcript NM_018076.5 (MANE Select); coding-DNA position 394, C replaced by A.
Protein change: p.Pro132Thr; replaces proline 132 with threonine.
Molecular consequence: missense variant.
Genome position (GRCh38, 1-based): chr10:27,985,200, G>T on the plus strand (C>A on the coding strand, the complement: ODAD2 is on the minus strand). VCF-style: chr10-27985200-G-T. GRCh37 (hg19) VCF-style: chr10-28274129-G-T.
Other names: c.394C>A, p.Pro132Thr (NM_001290020.2); short protein forms P132T.
Identifiers: ClinVar variation 1043510 (VCV001043510.7), dbSNP rs760457381, ClinGen allele CA5453819.